The following is an entry in ClinVar:

ClinVar aggregate classification (germline): Uncertain significance (1 of 4 stars; one submission).

Conditions:
Familial hypercholesterolemia. Also called: Familial hypercholesterolaemia. Identifiers: MedGen C0020445, MONDO:0005439.

Submission:

Color Diagnostics, LLC DBA Color Health
Classification: Uncertain significance for Familial hypercholesterolemia. Last evaluated: 2025-05-25. Review status: criteria provided, single submitter. Criteria: ACMG Guidelines, 2015. Collection method: clinical testing. Allele origin: germline.
Comment: This missense variant replaces alanine with aspartic acid at codon 475 of the PCSK9 protein. Computational prediction suggests that this variant may not impact protein structure and function. To our knowledge, functional studies have not been reported for this variant. This variant has not been reported in individuals affected with PCSK9-related disorders in the literature. This variant has not been identified in the general population by the Genome Aggregation Database (gnomAD). The available evidence is insufficient to determine the role of this variant in disease conclusively. Therefore, this variant is classified as a Variant of Uncertain Significance.

NM_174936.4(PCSK9):c.1424C>A (p.Ala475Asp)

Gene: PCSK9 (proprotein convertase subtilisin/kexin type 9; plus strand). Cytogenetic location: 1p32.3.
Variant type: single nucleotide variant.
Coding change: c.1424C>A on transcript NM_174936.4 (MANE Select); coding-DNA position 1424, C replaced by A.
Protein change: p.Ala475Asp; replaces alanine 475 with aspartic acid.
Molecular consequence: missense variant. On other transcripts: non-coding transcript variant (8), intron variant (1).
Genome position (GRCh38, 1-based): chr1:55,058,568, C>A. VCF-style: chr1-55058568-C-A. GRCh37 (hg19) VCF-style: chr1-55524241-C-A.
Other names: c.1180+1054C>A (NM_001407247.1); c.1547C>A, p.Ala516Asp (NM_001407240.1); c.1424C>A, p.Ala475Asp (NM_001407241.1); c.1427C>A, p.Ala476Asp (NM_001407242.1); c.1367C>A, p.Ala456Asp (NM_001407243.1); c.1250C>A, p.Ala417Asp (NM_001407244.1); c.1232C>A, p.Ala411Asp (NM_001407245.1); c.1049C>A, p.Ala350Asp (NM_001407246.1); short protein forms A350D, A411D, A417D, A456D, A475D, A476D, A516D.
Identifiers: ClinVar variation 4756772 (VCV004756772.1).
Genomic context (GRCh38, chr1:55,058,568, plus strand): 5'-TGTTTTGCAGGACTGTATGGTCAGCACACTCGGGGCCTACACGGATGGCCACAGCCGTCG[C>A]CCGCTGCGCCCCAGATGAGGAGCTGCTGAGCTGCTCCAGTTTCTCCAGGAGTGGGAAGCG-3'
Protein context (NP_777596.2, residues 465-485): SGPTRMATAV[Ala475Asp]RCAPDEELLS